The following is an entry in ClinVar:

ClinVar aggregate classification (germline): Uncertain significance. Review status: criteria provided, multiple submitters, no conflicts (2 of 4 stars). 2 submissions from 2 submitters: Uncertain significance (2). Last evaluated 2025-01-05.

Conditions:
Multiple acyl-CoA dehydrogenase deficiency (MADD). Also called: Glutaric Acidemia type 2; Glutaric acidemia type II; GA 2; Glutaric aciduria, type 2; ETHYLMALONIC-ADIPICACIDURIA; GA II. Identifiers: Orphanet 26791, MedGen C0268596, MONDO:0009282, OMIM 231680.

gnomAD v4.1: 3 of 1,613,866 alleles (0.00019%); highest among the groups gnomAD compares: African/African-American, 0.0013%; no homozygotes.

Submissions (2):

GeneDx
Classification: Uncertain significance. Last evaluated: 2025-01-05. Review status: criteria provided, single submitter. Criteria: GeneDx Variant Classification Process June 2021. Collection method: clinical testing. Allele origin: germline. Affected: yes.
Comment: Not observed at significant frequency in large population cohorts (gnomAD); In silico analysis supports that this missense variant has a deleterious effect on protein structure/function; Has not been previously published as pathogenic or benign to our knowledge

Labcorp Genetics (formerly Invitae), Labcorp
Classification: Uncertain significance for Multiple acyl-CoA dehydrogenase deficiency. Last evaluated: 2024-10-10. Review status: criteria provided, single submitter. Criteria: Invitae Variant Classification Sherloc (09022015). Collection method: clinical testing. Allele origin: germline.
Comment: This sequence change replaces glutamic acid, which is acidic and polar, with alanine, which is neutral and non-polar, at codon 530 of the ETFDH protein (p.Glu530Ala). This variant is not present in population databases (gnomAD no frequency). This variant has not been reported in the literature in individuals affected with ETFDH-related conditions. Invitae Evidence Modeling of protein sequence and biophysical properties (such as structural, functional, and spatial information, amino acid conservation, physicochemical variation, residue mobility, and thermodynamic stability) indicates that this missense variant is not expected to disrupt ETFDH protein function with a negative predictive value of 80%. In summary, the available evidence is currently insufficient to determine the role of this variant in disease. Therefore, it has been classified as a Variant of Uncertain Significance.

NM_004453.4(ETFDH):c.1589A>C (p.Glu530Ala)

Gene: ETFDH (electron transfer flavoprotein dehydrogenase; plus strand). Cytogenetic location: 4q32.1.
Variant type: single nucleotide variant.
Coding change: c.1589A>C on transcript NM_004453.4 (MANE Select); coding-DNA position 1589, A replaced by C.
Protein change: p.Glu530Ala; replaces glutamic acid 530 with alanine.
Molecular consequence: missense variant.
Genome position (GRCh38, 1-based): chr4:158,706,749, A>C. VCF-style: chr4-158706749-A-C. GRCh37 (hg19) VCF-style: chr4-159627901-A-C.
Other names: c.1589A>C (NM_004453.2); c.1448A>C, p.Glu483Ala (NM_001281737.2); c.1406A>C, p.Glu469Ala (NM_001281738.1); short protein forms E469A, E483A, E530A.
Identifiers: ClinVar variation 3603388 (VCV003603388.3).
Genomic context (GRCh38, chr4:158,706,749, plus strand): 5'-CCGATGGACAGATCAGTTTTGACCTCTTGTCATCTGTGGCTCTGAGTGGTACTAATCATG[A>C]ACATGACCAGCCGGCACACTTAACCTTAAGGGATGACAGTATACCTGTAAATAGAAATCT-3'
Protein context (NP_004444.2, residues 520-540): SSVALSGTNH[Glu530Ala]HDQPAHLTLR